The following is an entry in ClinVar:

NM_006904.7(PRKDC):c.5438G>A (p.Ser1813Asn)

Gene: PRKDC (protein kinase, DNA-activated, catalytic subunit; minus strand). Cytogenetic location: 8q11.21.
Variant type: single nucleotide variant.
Coding change: c.5438G>A on transcript NM_006904.7 (MANE Select); coding-DNA position 5438, G replaced by A.
Protein change: p.Ser1813Asn; replaces serine 1813 with asparagine.
Molecular consequence: missense variant.
Genome position (GRCh38, 1-based): chr8:47,864,689, C>T on the plus strand (G>A on the coding strand, the complement: PRKDC is on the minus strand). VCF-style: chr8-47864689-C-T. GRCh37 (hg19) VCF-style: chr8-48777250-C-T.
Other names: c.5438G>A, p.Ser1813Asn (NM_001081640.2); short protein forms S1813N.
Identifiers: ClinVar variation 1353229 (VCV001353229.6), dbSNP rs780655230, ClinGen allele CA4740635.

ClinVar aggregate classification (germline): Uncertain significance. Review status: criteria provided, multiple submitters, no conflicts (2 of 4 stars). 2 submissions from 2 submitters: Uncertain significance (2). Last evaluated 2025-08-04.

Conditions:
Severe combined immunodeficiency due to DNA-PKcs deficiency. Also called: IMMUNODEFICIENCY 26 WITH NEUROLOGIC ABNORMALITIES; Immunodeficiency 26 with or without neurologic abnormalities. Identifiers: Orphanet 317425, MedGen C4014833, MONDO:0014423, OMIM 615966.

Allele frequency attached by ClinVar (database versions not stated): gnomAD exomes below 0.00001 and 0.00002; TOPMed below 0.00001; ExAC 0.00001.
gnomAD v4.1: 6 of 1,607,604 alleles (0.00037%); highest among the groups gnomAD compares: East Asian, 0.0045%; no homozygotes.

Submissions (2):

Labcorp Genetics (formerly Invitae), Labcorp
Classification: Uncertain significance for Severe combined immunodeficiency due to DNA-PKcs deficiency. Last evaluated: 2025-08-04. Review status: criteria provided, single submitter. Criteria: Invitae Variant Classification Sherloc (09022015). Collection method: clinical testing. Allele origin: germline.
Comment: This sequence change replaces serine, which is neutral and polar, with asparagine, which is neutral and polar, at codon 1813 of the PRKDC protein (p.Ser1813Asn). This variant is present in population databases (rs780655230, gnomAD 0.02%). This variant has not been reported in the literature in individuals affected with PRKDC-related conditions. ClinVar contains an entry for this variant (Variation ID: 1353229). Invitae Evidence Modeling of protein sequence and biophysical properties (such as structural, functional, and spatial information, amino acid conservation, physicochemical variation, residue mobility, and thermodynamic stability) indicates that this missense variant is not expected to disrupt PRKDC protein function with a negative predictive value of 80%. In summary, the available evidence is currently insufficient to determine the role of this variant in disease. Therefore, it has been classified as a Variant of Uncertain Significance.

Blueprint Genetics
Classification: Uncertain significance. Last evaluated: 2020-06-12. Review status: criteria provided, single submitter. Criteria: ACMG Guidelines, 2015. Collection method: clinical testing. Allele origin: germline.